The following is an entry in ClinVar:

ClinVar aggregate classification (germline): Uncertain significance (1 of 4 stars; one submission).

gnomAD v4.1: 3 of 1,610,372 alleles (0.00019%); highest among the groups gnomAD compares: African/African-American, 0.0027%; no homozygotes.

Submission:

Labcorp Genetics (formerly Invitae), Labcorp
Classification: Uncertain significance. Last evaluated: 2024-04-24. Review status: criteria provided, single submitter. Criteria: Invitae Variant Classification Sherloc (09022015). Collection method: clinical testing. Allele origin: germline.
Comment: This sequence change falls in intron 2 of the FBXO11 gene. It does not directly change the encoded amino acid sequence of the FBXO11 protein. It affects a nucleotide within the consensus splice site. This variant is not present in population databases (gnomAD no frequency). This variant has not been reported in the literature in individuals affected with FBXO11-related conditions. Variants that disrupt the consensus splice site are a relatively common cause of aberrant splicing (PMID: 17576681, 9536098). Algorithms developed to predict the effect of sequence changes on RNA splicing suggest that this variant is not likely to affect RNA splicing. In summary, the available evidence is currently insufficient to determine the role of this variant in disease. Therefore, it has been classified as a Variant of Uncertain Significance.

Literature cited by the submitters: PubMed 17576681; PubMed 9536098.

NM_001190274.2(FBXO11):c.360+4A>T

Gene: FBXO11 (F-box protein 11; minus strand). Cytogenetic location: 2p16.3.
Variant type: single nucleotide variant.
Coding change: c.360+4A>T on transcript NM_001190274.2 (MANE Select); 4 bases into the intron after coding-DNA position 360, A replaced by T.
Molecular consequence: intron variant.
Genome position (GRCh38, 1-based): chr2:47,839,638, T>A on the plus strand (A>T on the coding strand, the complement: FBXO11 is on the minus strand). VCF-style: chr2-47839638-T-A. GRCh37 (hg19) VCF-style: chr2-48066777-T-A.
Other names: c.108+4A>T (NM_001374325.1, NM_025133.4).
Identifiers: ClinVar variation 3700237 (VCV003700237.2).